The following is an entry in ClinVar:

ClinVar aggregate classification (germline): Uncertain significance. Review status: criteria provided, multiple submitters, no conflicts (2 of 4 stars). 2 submissions from 2 submitters: Uncertain significance (2). Last evaluated 2025-03-18.

Submissions (2):

GeneDx
Classification: Uncertain significance. Last evaluated: 2025-03-18. Review status: criteria provided, single submitter. Criteria: GeneDx Variant Classification Process June 2021. Collection method: clinical testing. Allele origin: germline. Affected: yes.
Comment: Not observed at significant frequency in large population cohorts (gnomAD); In silico analysis indicates that this missense variant does not alter protein structure/function; Not located in the triple helical region, where the majority of pathogenic missense variants occur (HGMD); Has not been previously published as pathogenic or benign to our knowledge

Labcorp Genetics (formerly Invitae), Labcorp
Classification: Uncertain significance. Last evaluated: 2022-08-27. Review status: criteria provided, single submitter. Criteria: Invitae Variant Classification Sherloc (09022015). Collection method: clinical testing. Allele origin: germline.
Comment: Advanced modeling of protein sequence and biophysical properties (such as structural, functional, and spatial information, amino acid conservation, physicochemical variation, residue mobility, and thermodynamic stability) performed at Invitae indicates that this missense variant is not expected to disrupt COL2A1 protein function. This variant has not been reported in the literature in individuals affected with COL2A1-related conditions. This variant is not present in population databases (gnomAD no frequency). This sequence change replaces isoleucine, which is neutral and non-polar, with threonine, which is neutral and polar, at codon 112 of the COL2A1 protein (p.Ile112Thr). In summary, the available evidence is currently insufficient to determine the role of this variant in disease. Therefore, it has been classified as a Variant of Uncertain Significance.

NM_001844.5(COL2A1):c.335T>C (p.Ile112Thr)

Gene: COL2A1 (collagen type II alpha 1 chain; minus strand). Cytogenetic location: 12q13.11.
Variant type: single nucleotide variant.
Coding change: c.335T>C on transcript NM_001844.5 (MANE Select); coding-DNA position 335, T replaced by C.
Protein change: p.Ile112Thr; replaces isoleucine 112 with threonine.
Molecular consequence: missense variant.
Genome position (GRCh38, 1-based): chr12:47,998,176, A>G on the plus strand (T>C on the coding strand, the complement: COL2A1 is on the minus strand). VCF-style: chr12-47998176-A-G. GRCh37 (hg19) VCF-style: chr12-48391959-A-G.
Other names: c.128T>C, p.Ile43Thr (NM_033150.3); c.335T>C (NM_001844.4); short protein forms I112T, I43T.
Identifiers: ClinVar variation 1718134 (VCV001718134.6), dbSNP rs2540182746, ClinGen allele CA384525320.